The following is an entry in ClinVar:

NM_006494.4(ERF):c.420C>T (p.Ser140=)

Gene: ERF (ETS2 repressor factor; minus strand). Cytogenetic location: 19q13.2.
Variant type: single nucleotide variant.
Coding change: c.420C>T on transcript NM_006494.4 (MANE Select); coding-DNA position 420, C replaced by T.
Protein change: p.Ser140=; no amino-acid change (serine 140 retained).
Molecular consequence: synonymous variant. On other transcripts: 5 prime UTR variant (1).
Genome position (GRCh38, 1-based): chr19:42,249,692, G>A on the plus strand (C>T on the coding strand, the complement: ERF is on the minus strand). VCF-style: chr19-42249692-G-A. GRCh37 (hg19) VCF-style: chr19-42753844-G-A.
Other names: c.195C>T, p.Ser65= (NM_001301035.2, NM_001308402.2, NM_001312656.2 and 1 more transcripts); c.-388C>T (NM_001440421.1).
Identifiers: ClinVar variation 5008885 (VCV005008885.1).

ClinVar aggregate classification (germline): Uncertain significance (1 of 4 stars; one submission).

Submission:

GeneDx
Classification: Uncertain significance. Last evaluated: 2026-03-20. Review status: criteria provided, single submitter. Criteria: GeneDx Variant Classification Process June 2021. Collection method: clinical testing. Allele origin: germline.
Comment: Not observed at significant frequency in large population cohorts (gnomAD); Has not been previously published as pathogenic or benign to our knowledge; In silico analysis suggests this variant may impact gene splicing. In the absence of RNA/functional studies, the actual effect of this sequence change is unknown.